The following is an entry in ClinVar:

NM_003073.5(SMARCB1):c.868C>G (p.Pro290Ala)

Gene: SMARCB1 (SWI/SNF related BAF chromatin remodeling complex subunit B1; plus strand). Cytogenetic location: 22q11.23.
Variant type: single nucleotide variant.
Coding change: c.868C>G on transcript NM_003073.5 (MANE Select); coding-DNA position 868, C replaced by G.
Protein change: p.Pro290Ala; replaces proline 290 with alanine.
Molecular consequence: missense variant.
Genome position (GRCh38, 1-based): chr22:23,825,297, C>G. VCF-style: chr22-23825297-C-G. GRCh37 (hg19) VCF-style: chr22-24167484-C-G.
Other names: c.841C>G, p.Pro281Ala (NM_001007468.3); c.895C>G, p.Pro299Ala (NM_001317946.2); c.922C>G, p.Pro308Ala (NM_001362877.2); short protein forms P308A, P281A, P290A, P299A.
Identifiers: ClinVar variation 949337 (VCV000949337.12), dbSNP rs2030322683, ClinGen allele CA410907185.
Genomic context (GRCh38, chr22:23,825,297, plus strand): 5'-GTGGGAAACATTTCCCTGGTGGACCAGTTTGAGTGGGACATGTCAGAGAAGGAGAACTCA[C>G]CAGAGAAGTTTGCCCTGAAGCTGTGCTCGGAGCTGGGGTTGGGCGGGGAGTTTGTCACCA-3'
Protein context (NP_003064.2, residues 280-300): EWDMSEKENS[Pro290Ala]EKFALKLCSE

ClinVar aggregate classification (germline): Uncertain significance. Review status: criteria provided, multiple submitters, no conflicts (2 of 4 stars). 2 submissions from 2 submitters: Uncertain significance (2). Last evaluated 2024-04-27.

Conditions:
Hereditary cancer-predisposing syndrome. Also called: Hereditary neoplastic syndrome; Neoplastic Syndromes, Hereditary; Tumor predisposition; Hereditary Cancer Syndrome. Identifiers: Orphanet 140162, MedGen C0027672, MeSH D009386, MONDO:0015356.

Submissions (2):

Labcorp Genetics (formerly Invitae), Labcorp
Classification: Uncertain significance. Last evaluated: 2024-04-27. Review status: criteria provided, single submitter. Criteria: Invitae Variant Classification Sherloc (09022015). Collection method: clinical testing. Allele origin: germline.
Comment: This sequence change replaces proline, which is neutral and non-polar, with alanine, which is neutral and non-polar, at codon 290 of the SMARCB1 protein (p.Pro290Ala). This variant is not present in population databases (gnomAD no frequency). This variant has not been reported in the literature in individuals affected with SMARCB1-related conditions. ClinVar contains an entry for this variant (Variation ID: 949337). Advanced modeling of protein sequence and biophysical properties (such as structural, functional, and spatial information, amino acid conservation, physicochemical variation, residue mobility, and thermodynamic stability) performed at Invitae indicates that this missense variant is not expected to disrupt SMARCB1 protein function with a negative predictive value of 80%. In summary, the available evidence is currently insufficient to determine the role of this variant in disease. Therefore, it has been classified as a Variant of Uncertain Significance.

Ambry Genetics
Classification: Uncertain significance for Hereditary cancer-predisposing syndrome. Last evaluated: 2021-08-17. Review status: criteria provided, single submitter. Criteria: Ambry Variant Classification Scheme 2023. Collection method: clinical testing. Allele origin: germline.
Comment: The p.P290A variant (also known as c.868C>G), located in coding exon 7 of the SMARCB1 gene, results from a C to G substitution at nucleotide position 868. The proline at codon 290 is replaced by alanine, an amino acid with highly similar properties. This amino acid position is highly conserved in available vertebrate species. In addition, this alteration is predicted to be deleterious by in silico analysis. Missense and in-frame variants in SMARCB1 are known to cause neurodevelopmental disorders; however, such associations with rhabdoid tumor predisposition syndrome are exceedingly rare (Kosho T et al. Am J Med Genet C Semin Med Genet. 2014 Sep;166C(3):262-75; Eaton KW et al. Pediatr Blood Cancer. 2011 Jan;56(1):7-15). Since supporting evidence is limited at this time, the clinical significance of this alteration remains unclear.